The following is an entry in ClinVar:

ClinVar aggregate classification (germline): Benign (0 of 4 stars; one submission).

Conditions:
CPB2-related disorder. Also called: CPB2-related condition.

Allele frequency attached by ClinVar (database versions not stated): gnomAD 0.78450; 1000 Genomes Project 0.79872; 1000 Genomes Project 30x 0.80278; gnomAD exomes 0.74723; ExAC 0.76310; ESP Exome Variant Server 0.77956; TOPMed 0.78269.
gnomAD v4.1: 1,208,172 of 1,609,964 alleles (75%); highest among the groups gnomAD compares: African/African-American, 86%; 455,211 homozygotes.

Submission:

PreventionGenetics, part of Exact Sciences
Classification: Benign for CPB2-related condition. Last evaluated: 2019-10-16. Review status: no assertion criteria provided. Collection method: clinical testing. Allele origin: germline.
Comment: This variant is classified as benign based on ACMG/AMP sequence variant interpretation guidelines (Richards et al. 2015 PMID: 25741868, with internal and published modifications).

NM_001872.5(CPB2):c.291T>C (p.Asp97=)

Genes: CPB2 (carboxypeptidase B2; minus strand), CPB2-AS1 (CPB2 antisense RNA 1; plus strand). Cytogenetic location: 13q14.13.
Variant type: single nucleotide variant.
Coding change: c.291T>C on transcript NM_001872.5 (MANE Select); coding-DNA position 291, T replaced by C.
Protein change: p.Asp97=; no amino-acid change (aspartic acid 97 retained).
Molecular consequence: synonymous variant.
Genome position (GRCh38, 1-based): chr13:46,082,534, A>G on the plus strand (T>C on the coding strand, the complement: CPB2 is on the minus strand). VCF-style: chr13-46082534-A-G. GRCh37 (hg19) VCF-style: chr13-46656669-A-G.
Other names: c.291T>C, p.Asp97= (NM_001278541.2).
Identifiers: ClinVar variation 3060878 (VCV003060878.2), dbSNP rs2296642, ClinGen allele CA6974979.
Genomic context (GRCh38, chr13:46,082,534, plus strand): 5'-TGCGGAGGCTCGGGGGCTGACTGTGTCGTTGGAAATCTGCTGTTGAATAAGATCTTCCAC[A>G]TCTGCCAGCAAGACACTAGGTGATGAAACAGAGAGTGAGCTAGTTTCCAAGCAGAGGGTG-3'
Protein context (NP_001863.3, residues 87-107): SGIPCSVLLA[Asp97=]VEDLIQQQIS